The following is an entry in ClinVar:

ClinVar aggregate classification (germline): Uncertain significance. Review status: criteria provided, multiple submitters, no conflicts (2 of 4 stars). 3 submissions from 3 submitters: Uncertain significance (3). Last evaluated 2024-04-01.

Conditions:
Dalmatian hypouricemia (RHUC1). Identifiers: MedGen C0473219, MONDO:0020728, OMIM 220150.
Inborn genetic diseases. Identifiers: MedGen C0950123, MeSH D030342.

Allele frequency attached by ClinVar (database versions not stated): TOPMed below 0.00001; gnomAD exomes 0.00001 and 0.00005; gnomAD 0.00002; ExAC 0.00007.

Submissions (3):

Ambry Genetics
Classification: Uncertain significance for Inborn genetic diseases. Last evaluated: 2024-04-01. Review status: criteria provided, single submitter. Criteria: Ambry Variant Classification Scheme 2023. Collection method: clinical testing. Allele origin: germline.

Fulgent Genetics
Classification: Uncertain significance for Dalmatian hypouricemia. Last evaluated: 2024-01-25. Review status: criteria provided, single submitter. Criteria: ACMG Guidelines, 2015. Collection method: clinical testing. Allele origin: germline.

Labcorp Genetics (formerly Invitae), Labcorp
Classification: Uncertain significance. Last evaluated: 2020-11-06. Review status: criteria provided, single submitter. Criteria: Invitae Variant Classification Sherloc (09022015). Collection method: clinical testing. Allele origin: germline.
Comment: In summary, the available evidence is currently insufficient to determine the role of this variant in disease. Therefore, it has been classified as a Variant of Uncertain Significance. Algorithms developed to predict the effect of missense changes on protein structure and function are either unavailable or do not agree on the potential impact of this missense change (SIFT: "Deleterious"; PolyPhen-2: "Probably Damaging"; Align-GVGD: "Class C0"). This variant has not been reported in the literature in individuals with SLC22A12-related conditions. This variant is present in population databases (rs777825034, ExAC 0.09%). This sequence change replaces leucine with arginine at codon 459 of the SLC22A12 protein (p.Leu459Arg). The leucine residue is highly conserved and there is a moderate physicochemical difference between leucine and arginine.

NM_144585.4(SLC22A12):c.1376T>G (p.Leu459Arg)

Gene: SLC22A12 (solute carrier family 22 member 12; plus strand). Cytogenetic location: 11q13.1.
Variant type: single nucleotide variant.
Coding change: c.1376T>G on transcript NM_144585.4 (MANE Select); coding-DNA position 1376, T replaced by G.
Protein change: p.Leu459Arg; replaces leucine 459 with arginine.
Molecular consequence: missense variant.
Genome position (GRCh38, 1-based): chr11:64,600,457, T>G. VCF-style: chr11-64600457-T-G. GRCh37 (hg19) VCF-style: chr11-64367929-T-G.
Other names: c.1274T>G, p.Leu425Arg (NM_001276326.2); c.1052T>G, p.Leu351Arg (NM_001276327.2); c.713T>G, p.Leu238Arg (NM_153378.3); c.1376T>G (NM_144585.2); short protein forms L351R, L425R, L238R, L459R.
Identifiers: ClinVar variation 1520083 (VCV001520083.11), dbSNP rs777825034, ClinGen allele CA6077422.